The following is an entry in ClinVar:

NM_005732.4(RAD50):c.214G>A (p.Val72Ile)

Gene: RAD50 (RAD50 double strand break repair protein; plus strand). Cytogenetic location: 5q31.1.
Variant type: single nucleotide variant.
Coding change: c.214G>A on transcript NM_005732.4 (MANE Select); coding-DNA position 214, G replaced by A.
Protein change: p.Val72Ile; replaces valine 72 with isoleucine.
Molecular consequence: missense variant.
Genome position (GRCh38, 1-based): chr5:132,575,777, G>A. VCF-style: chr5-132575777-G-A. GRCh37 (hg19) VCF-style: chr5-131911469-G-A.
Other names: short protein forms V72I.
Identifiers: ClinVar variation 141106 (VCV000141106.16), dbSNP rs118029772, ClinGen allele CA164471.

ClinVar aggregate classification (germline): Uncertain significance. Review status: criteria provided, multiple submitters, no conflicts (2 of 4 stars). 4 submissions from 4 submitters: Uncertain significance (4). Last evaluated 2026-08-05.

Conditions:
RAD50-related disorder. Also called: RAD50-related condition.
Hereditary cancer-predisposing syndrome. Also called: Tumor predisposition; Neoplastic Syndromes, Hereditary; Hereditary neoplastic syndrome; Hereditary Cancer Syndrome. Identifiers: Orphanet 140162, MedGen C0027672, MeSH D009386, MONDO:0015356.
Nijmegen breakage syndrome-like disorder (NBSLD). Also called: MICROCEPHALY AND SPONTANEOUS CHROMOSOME INSTABILITY WITHOUT IMMUNODEFICIENCY; NBS-LIKE DISORDER; RAD50 DEFICIENCY. Identifiers: Orphanet 240760, MedGen C2751318, MONDO:0013118, OMIM 613078.

Allele frequency attached by ClinVar (database versions not stated): gnomAD 0.00001 and 0.00003; ExAC 0.00003; TOPMed 0.00006; 1000 Genomes Project 30x 0.00016; 1000 Genomes Project 0.00020.
gnomAD v4.1: 44 of 1,589,120 alleles (0.0028%); highest among the groups gnomAD compares: East Asian, 0.031%; no homozygotes.

Submissions (4):

PreventionGenetics, part of Exact Sciences
Classification: Uncertain significance for RAD50-related condition. Last evaluated: 2026-08-05. Review status: criteria provided, single submitter. Criteria: ACMG Guidelines, 2015. Collection method: clinical testing. Allele origin: germline.
Comment: The RAD50 c.214G>A variant is predicted to result in the amino acid substitution p.Val72Ile. This variant has been reported in the literature in an individual with breast cancer (Table S2, Wang et al. 2019. PubMed ID: 30982232). This variant is reported in 0.054% of alleles in individuals of East Asian descent in gnomAD and has been interpreted as variant of uncertain significance in the ClinVar database (Variation ID: 141106). At this time, the clinical significance of this variant is uncertain due to the absence of conclusive functional and genetic evidence.

Labcorp Genetics (formerly Invitae), Labcorp
Classification: Uncertain significance for Hereditary cancer-predisposing syndrome. Last evaluated: 2025-08-05. Review status: criteria provided, single submitter. Criteria: Invitae Variant Classification Sherloc (09022015). Collection method: clinical testing. Allele origin: germline.
Comment: This sequence change replaces valine, which is neutral and non-polar, with isoleucine, which is neutral and non-polar, at codon 72 of the RAD50 protein (p.Val72Ile). This variant is present in population databases (rs118029772, gnomAD 0.06%). This variant has not been reported in the literature in individuals affected with RAD50-related conditions. ClinVar contains an entry for this variant (Variation ID: 141106). An algorithm developed to predict the effect of missense changes on protein structure and function outputs the following: PolyPhen-2: "Benign". The isoleucine amino acid residue is found in multiple mammalian species, which suggests that this missense change does not adversely affect protein function. In summary, the available evidence is currently insufficient to determine the role of this variant in disease. Therefore, it has been classified as a Variant of Uncertain Significance.

Ambry Genetics
Classification: Uncertain significance for Hereditary cancer-predisposing syndrome. Last evaluated: 2022-09-28. Review status: criteria provided, single submitter. Criteria: Ambry Variant Classification Scheme 2023. Collection method: clinical testing. Allele origin: germline.
Comment: The p.V72I variant (also known as c.214G>A) is located in coding exon 3 of the RAD50 gene. The valine at codon 72 is replaced by isoleucine, an amino acid with highly similar properties. This change occurs in the first base pair of coding exon 3. This alteration was identified in a cohort of 481 Chinese breast cancer patients with family history of breast/ovarian cancer (Wang J et al. Cancer Med, 2019 05;8:2074-2084). This amino acid position is not well conserved in available vertebrate species. In addition, this alteration is predicted to be tolerated by in silico analysis. Since supporting evidence is limited at this time, the clinical significance of this alteration remains unclear.

Fulgent Genetics
Classification: Uncertain significance for Nijmegen breakage syndrome-like disorder. Last evaluated: 2018-10-31. Review status: criteria provided, single submitter. Criteria: ACMG Guidelines, 2015. Collection method: clinical testing. Allele origin: unknown.

Literature cited by the submitters: PubMed 30982232 (cited by Ambry Genetics).